The following is an entry in ClinVar:

NM_001272046.2(VWA2):c.1307G>T (p.Ser436Ile)

Genes: AFAP1L2 (actin filament associated protein 1 like 2; minus strand), VWA2 (von Willebrand factor A domain containing 2; plus strand). Cytogenetic location: 10q25.3.
Variant type: single nucleotide variant.
Coding change: c.1307G>T on transcript NM_001272046.2 (MANE Select); coding-DNA position 1307, G replaced by T.
Protein change: p.Ser436Ile; replaces serine 436 with isoleucine.
Molecular consequence: missense variant.
Genome position (GRCh38, 1-based): chr10:114,286,248, G>T. VCF-style: chr10-114286248-G-T. GRCh37 (hg19) VCF-style: chr10-116046007-G-T.
Other names: c.1307G>T, p.Ser436Ile (NM_001320804.1); short protein forms S436I.
Identifiers: ClinVar variation 3046505 (VCV003046505.2), dbSNP rs1434044713, ClinGen allele CA378460008.
Genomic context (GRCh38, chr10:114,286,248, plus strand): 5'-GTGGTGGCCCCACCCTGACGGGCAGTGCCTTGCGGCAGGCGGCAGAGCGTGGCTTCGGGA[G>T]CGCCACCAGGACAGGCCAGGACCGGCCACGTAGAGTGGTGGTTTTGCTCACTGAGTCACA-3'
Protein context (NP_001258975.1, residues 426-446): LRQAAERGFG[Ser436Ile]ATRTGQDRPR

ClinVar aggregate classification (germline): Uncertain significance (0 of 4 stars; one submission).

Conditions:
VWA2-related disorder. Also called: VWA2-related condition.

Allele frequency attached by ClinVar (database versions not stated): TOPMed below 0.00001; gnomAD 0.00001; gnomAD exomes 0.00001.
gnomAD v4.1: 17 of 1,612,874 alleles (0.0011%); highest among the groups gnomAD compares: Non-Finnish European, 0.0014%; no homozygotes.

Submission:

PreventionGenetics, part of Exact Sciences
Classification: Uncertain significance for VWA2-related condition. Last evaluated: 2024-02-09. Review status: no assertion criteria provided. Collection method: clinical testing. Allele origin: germline.
Comment: The VWA2 c.1307G>T variant is predicted to result in the amino acid substitution p.Ser436Ile. To our knowledge, this variant has not been reported in the literature or in a large population database, indicating this variant is rare. At this time, the clinical significance of this variant is uncertain due to the absence of conclusive functional and genetic evidence.